The following is an entry in ClinVar:

ClinVar aggregate classification (germline): Uncertain significance (1 of 4 stars; one submission).

Allele frequency attached by ClinVar (database versions not stated): gnomAD exomes below 0.00001; gnomAD 0.00003 and 0.00004; TOPMed 0.00004; ESP Exome Variant Server 0.00008.

Submission:

Labcorp Genetics (formerly Invitae), Labcorp
Classification: Uncertain significance. Last evaluated: 2021-09-17. Review status: criteria provided, single submitter. Criteria: Invitae Variant Classification Sherloc (09022015). Collection method: clinical testing. Allele origin: germline.
Comment: This sequence change replaces methionine with valine at codon 1192 of the ASPM protein (p.Met1192Val). The methionine residue is weakly conserved and there is a small physicochemical difference between methionine and valine. This variant is not present in population databases (ExAC no frequency). This variant has not been reported in the literature in individuals with ASPM-related conditions. Algorithms developed to predict the effect of missense changes on protein structure and function output the following: SIFT: "Tolerated"; PolyPhen-2: "Benign"; Align-GVGD: "Class C0". The valine amino acid residue is found in multiple mammalian species, suggesting that this missense change does not adversely affect protein function. These predictions have not been confirmed by published functional studies and their clinical significance is uncertain. In summary, the available evidence is currently insufficient to determine the role of this variant in disease. Therefore, it has been classified as a Variant of Uncertain Significance.

NM_018136.5(ASPM):c.3574A>G (p.Met1192Val)

Gene: ASPM (assembly factor for spindle microtubules; minus strand). Cytogenetic location: 1q31.3.
Variant type: single nucleotide variant.
Coding change: c.3574A>G on transcript NM_018136.5 (MANE Select); coding-DNA position 3574, A replaced by G.
Protein change: p.Met1192Val; replaces methionine 1192 with valine.
Molecular consequence: missense variant.
Genome position (GRCh38, 1-based): chr1:197,122,412, T>C on the plus strand (A>G on the coding strand, the complement: ASPM is on the minus strand). VCF-style: chr1-197122412-T-C. GRCh37 (hg19) VCF-style: chr1-197091542-T-C.
Other names: c.3574A>G, p.Met1192Val (NM_001206846.2); short protein forms M1192V.
Identifiers: ClinVar variation 1448077 (VCV001448077.5), dbSNP rs376125391, ClinGen allele CA35883470.